The following is an entry in ClinVar:

ClinVar aggregate classification (germline): Uncertain significance (1 of 4 stars; one submission).

Conditions:
Inborn genetic diseases. Identifiers: MedGen C0950123, MeSH D030342.

Submission:

Ambry Genetics
Classification: Uncertain significance for Inborn genetic diseases. Last evaluated: 2020-12-29. Review status: criteria provided, single submitter. Criteria: Ambry Variant Classification Scheme 2023. Collection method: clinical testing. Allele origin: germline.
Comment: The c.2537_2542+26del32insCCAA alteration spans the splice donor site of exon 17 (coding exon 17) of the FLT4 gene. This alteration consists of a deletion of 32 and insertion of 4 nucleotides between nucleotide positions c.2537 and c.2542+26. Based on data from the Genome Aggregation Database (gnomAD), the FLT4 c.2537_2542+26del32insCCAA alteration was not observed, with coverage at this position. Based on BDGP and ESEfinder splice site in silico tools, this alteration is predicted to abolish the native splice donor site; however, direct evidence is unavailable. Based on insufficient or conflicting evidence, the clinical significance of this alteration remains unclear.

Literature cited by the submitters: PubMed 18279219.

NM_182925.5(FLT4):c.2537_2542+26delinsCCAA

Genes: FLT4 (fms related receptor tyrosine kinase 4; minus strand), LOC126807632 (CDK7 strongly-dependent group 2 enhancer GRCh37_chr5:180046831-180048030; plus strand). Cytogenetic location: 5q35.3.
Variant type: Indel.
Coding change: c.2537_2542+26delinsCCAA on transcript NM_182925.5 (MANE Select); coding-DNA position 2537 through 26 bases into the intron after coding-DNA position 2542, the reference bases replaced by CCAA.
Molecular consequence: splice donor variant.
Genome position (GRCh38, 1-based): chr5:180,620,147-180,620,178, 32 bases replaced. GRCh37 (hg19): chr5:180,047,147-180,047,178.
Other names: c.2537_2542+26delinsCCAA (NM_001354989.2, NM_002020.5).
Identifiers: ClinVar variation 2228960 (VCV002228960.2), dbSNP rs2480897363, ClinGen allele CA2580074146.